The following is an entry in ClinVar:

NM_024537.4(CARS2):c.466G>T (p.Val156Phe)

Gene: CARS2 (cysteinyl-tRNA synthetase 2, mitochondrial; minus strand). Cytogenetic location: 13q34.
Variant type: single nucleotide variant.
Coding change: c.466G>T on transcript NM_024537.4 (MANE Select); coding-DNA position 466, G replaced by T.
Protein change: p.Val156Phe; replaces valine 156 with phenylalanine.
Molecular consequence: missense variant. On other transcripts: 5 prime UTR variant (1), non-coding transcript variant (2).
Genome position (GRCh38, 1-based): chr13:110,687,826, C>A on the plus strand (G>T on the coding strand, the complement: CARS2 is on the minus strand). VCF-style: chr13-110687826-C-A. GRCh37 (hg19) VCF-style: chr13-111340173-C-A.
Other names: c.-534G>T (NM_001352252.2); c.466G>T, p.Val156Phe (NM_001352253.3); short protein forms V156F.
Identifiers: ClinVar variation 542308 (VCV000542308.13), dbSNP rs148098469, ClinGen allele CA7052229.

ClinVar aggregate classification (germline): Uncertain significance. Review status: criteria provided, multiple submitters, no conflicts (2 of 4 stars). 3 submissions from 3 submitters: Uncertain significance (3). Last evaluated 2026-07-31.

Conditions:
Combined oxidative phosphorylation defect type 27. Also called: Combined oxidative phosphorylation deficiency 27. Identifiers: Orphanet 477774, MedGen C5567608, MONDO:0014728, OMIM 616672.

Allele frequency attached by ClinVar (database versions not stated): gnomAD 0.00003; TOPMed 0.00010; ESP Exome Variant Server 0.00031.
gnomAD v4.1: 87 of 1,602,570 alleles (0.0054%); highest among the groups gnomAD compares: Non-Finnish European, 0.0071%; no homozygotes.

Submissions (3):

GeneDx
Classification: Uncertain significance. Last evaluated: 2026-07-31. Review status: criteria provided, single submitter. Criteria: GeneDx Variant Classification Process June 2021. Collection method: clinical testing. Allele origin: germline.
Comment: Not observed at significant frequency in large population cohorts (gnomAD); In silico analysis supports that this missense variant has a deleterious effect on protein structure/function; In silico analysis is inconclusive as to whether the variant alters gene splicing. In the absence of RNA/functional studies, the actual effect of this sequence change is unknown.; Has not been previously published as pathogenic or benign to our knowledge

Blueprint Genetics
Classification: Uncertain significance. Last evaluated: 2024-11-13. Review status: criteria provided, single submitter. Criteria: ACMG Guidelines, 2015. Collection method: clinical testing. Allele origin: germline.

Labcorp Genetics (formerly Invitae), Labcorp
Classification: Uncertain significance for Combined oxidative phosphorylation defect type 27. Last evaluated: 2024-01-02. Review status: criteria provided, single submitter. Criteria: Invitae Variant Classification Sherloc (09022015). Collection method: clinical testing. Allele origin: germline.
Comment: This sequence change replaces valine, which is neutral and non-polar, with phenylalanine, which is neutral and non-polar, at codon 156 of the CARS2 protein (p.Val156Phe). This variant is present in population databases (rs148098469, gnomAD 0.01%). This variant has not been reported in the literature in individuals affected with CARS2-related conditions. ClinVar contains an entry for this variant (Variation ID: 542308). An algorithm developed to predict the effect of missense changes on protein structure and function (PolyPhen-2) suggests that this variant is likely to be disruptive. Algorithms developed to predict the effect of sequence changes on RNA splicing suggest that this variant may disrupt the consensus splice site. In summary, the available evidence is currently insufficient to determine the role of this variant in disease. Therefore, it has been classified as a Variant of Uncertain Significance.